The following is an entry in ClinVar:

ClinVar aggregate classification (germline): Uncertain significance (1 of 4 stars; one submission).

Allele frequency attached by ClinVar (database versions not stated): gnomAD exomes below 0.00001; ExAC 0.00001.
gnomAD v4.1: 2 of 1,613,406 alleles (0.00012%); highest among the groups gnomAD compares: South Asian, 0.0011%; no homozygotes.

Submission:

GeneDx
Classification: Uncertain significance. Last evaluated: 2021-05-05. Review status: criteria provided, single submitter. Criteria: GeneDx Variant Classification Process June 2021. Collection method: clinical testing. Allele origin: germline. Affected: yes.
Comment: In silico analysis, which includes protein predictors and evolutionary conservation, supports that this variant does not alter protein structure/function; Has not been previously published as pathogenic or benign to our knowledge

NM_005529.7(HSPG2):c.4760C>G (p.Ala1587Gly)

Gene: HSPG2 (heparan sulfate proteoglycan 2; minus strand). Cytogenetic location: 1p36.12.
Variant type: single nucleotide variant.
Coding change: c.4760C>G on transcript NM_005529.7 (MANE Select); coding-DNA position 4760, C replaced by G.
Protein change: p.Ala1587Gly; replaces alanine 1587 with glycine.
Molecular consequence: missense variant.
Genome position (GRCh38, 1-based): chr1:21,862,096, G>C on the plus strand (C>G on the coding strand, the complement: HSPG2 is on the minus strand). VCF-style: chr1-21862096-G-C. GRCh37 (hg19) VCF-style: chr1-22188589-G-C.
Other names: c.4763C>G, p.Ala1588Gly (NM_001291860.2); short protein forms A1587G, A1588G.
Identifiers: ClinVar variation 1307321 (VCV001307321.2), dbSNP rs757980659, ClinGen allele CA672166.